The following is an entry in ClinVar:

NM_000038.6(APC):c.986A>T (p.Asp329Val)

Gene: APC (APC regulator of Wnt signaling pathway; plus strand). Cytogenetic location: 5q22.2.
Variant type: single nucleotide variant.
Coding change: c.986A>T on transcript NM_000038.6 (MANE Select); coding-DNA position 986, A replaced by T.
Protein change: p.Asp329Val; replaces aspartic acid 329 with valine.
Molecular consequence: missense variant. On other transcripts: intron variant (4).
Genome position (GRCh38, 1-based): chr5:112,819,018, A>T. VCF-style: chr5-112819018-A-T. GRCh37 (hg19) VCF-style: chr5-112154715-A-T.
Other names: c.1016A>T, p.Asp339Val (NM_001354897.2); c.911A>T, p.Asp304Val (NM_001354898.2); c.986A>T, p.Asp329Val (NM_001127510.3, NM_001354895.2, NM_001354896.2); c.932A>T, p.Asp311Val (NM_001127511.3); c.902A>T, p.Asp301Val (NM_001354899.2); c.809A>T, p.Asp270Val (NM_001354900.2, NM_001354901.2); c.137A>T, p.Asp46Val (NM_001354906.2); c.964-251A>T (NM_001354902.2); and 3 more; short protein forms D270V, D301V, D304V, D311V, D329V, D339V, D46V.
Identifiers: ClinVar variation 1170991 (VCV001170991.4), dbSNP rs878853482, ClinGen allele CA16023471.

ClinVar aggregate classification (germline): Uncertain significance. Review status: criteria provided, multiple submitters, no conflicts (2 of 4 stars). 2 submissions from 2 submitters: Uncertain significance (2). Last evaluated 2024-03-06.

Conditions:
Hereditary cancer-predisposing syndrome. Also called: Tumor predisposition; Hereditary neoplastic syndrome; Hereditary Cancer Syndrome; Neoplastic Syndromes, Hereditary. Identifiers: Orphanet 140162, MedGen C0027672, MeSH D009386, MONDO:0015356.

Submissions (2):

Color Diagnostics, LLC DBA Color Health
Classification: Uncertain significance for Hereditary cancer-predisposing syndrome. Last evaluated: 2024-03-06. Review status: criteria provided, single submitter. Criteria: ACMG Guidelines, 2015. Collection method: clinical testing. Allele origin: germline.
Comment: This missense variant replaces aspartic acid with valine at codon 329 of the APC protein. Computational prediction suggests that this variant may have deleterious impact on protein structure and function (internally defined REVEL score threshold >= 0.7, PMID: 27666373). To our knowledge, functional studies have not been reported for this variant. This variant has not been reported in individuals affected with hereditary cancer in the literature. This variant has not been identified in the general population by the Genome Aggregation Database (gnomAD). The available evidence is insufficient to determine the role of this variant in disease conclusively. Therefore, this variant is classified as a Variant of Uncertain Significance.

Ambry Genetics
Classification: Uncertain significance for Hereditary cancer-predisposing syndrome. Last evaluated: 2023-09-16. Review status: criteria provided, single submitter. Criteria: Ambry Variant Classification Scheme 2023. Collection method: clinical testing. Allele origin: germline.
Comment: The p.D329V variant (also known as c.986A>T), located in coding exon 9 of the APC gene, results from an A to T substitution at nucleotide position 986. The aspartic acid at codon 329 is replaced by valine, an amino acid with highly dissimilar properties. This amino acid position is conserved. In addition, in silico predictors for this gene do not accurately predict pathogenicity. Since supporting evidence is limited at this time, the clinical significance of this alteration remains unclear.